The following is an entry in ClinVar:

NM_014991.6(WDFY3):c.6394G>C (p.Gly2132Arg)

Gene: WDFY3 (WD repeat and FYVE domain containing 3; minus strand). Cytogenetic location: 4q21.23.
Variant type: single nucleotide variant.
Coding change: c.6394G>C on transcript NM_014991.6 (MANE Select); coding-DNA position 6394, G replaced by C.
Protein change: p.Gly2132Arg; replaces glycine 2132 with arginine.
Molecular consequence: missense variant.
Genome position (GRCh38, 1-based): chr4:84,740,257, C>G on the plus strand (G>C on the coding strand, the complement: WDFY3 is on the minus strand). VCF-style: chr4-84740257-C-G. GRCh37 (hg19) VCF-style: chr4-85661410-C-G.
Other names: short protein forms G2132R.
Identifiers: ClinVar variation 3908022 (VCV003908022.1).

ClinVar aggregate classification (germline): Uncertain significance (1 of 4 stars; one submission).

gnomAD v4.1: 1 of 1,613,964 alleles (0.000062%); highest among the groups gnomAD compares: Non-Finnish European, 0.000085%; no homozygotes.

Submission:

GeneDx
Classification: Uncertain significance. Last evaluated: 2024-12-26. Review status: criteria provided, single submitter. Criteria: GeneDx Variant Classification Process June 2021. Collection method: clinical testing. Allele origin: germline. Affected: yes.
Comment: Not observed at significant frequency in large population cohorts (gnomAD); In silico analysis supports that this missense variant has a deleterious effect on protein structure/function; Has not been previously published as pathogenic or benign to our knowledge